The following is an entry in ClinVar:

NM_000051.4(ATM):c.6724T>C (p.Ser2242Pro)

Genes: ATM (ATM serine/threonine kinase; plus strand), C11orf65 (chromosome 11 open reading frame 65; minus strand). Cytogenetic location: 11q22.3.
Variant type: single nucleotide variant.
Coding change: c.6724T>C on transcript NM_000051.4 (MANE Select); coding-DNA position 6724, T replaced by C.
Protein change: p.Ser2242Pro; replaces serine 2242 with proline.
Molecular consequence: missense variant. On other transcripts: intron variant (2).
Genome position (GRCh38, 1-based): chr11:108,325,461, T>C. VCF-style: chr11-108325461-T-C. GRCh37 (hg19) VCF-style: chr11-108196188-T-C.
Other names: c.6724T>C, p.Ser2242Pro (NM_001351834.2); c.641-16390A>G (NM_001330368.2); c.*38+9759A>G (NM_001351110.2); short protein forms S2242P.
Identifiers: ClinVar variation 479055 (VCV000479055.9), dbSNP rs1309164461, ClinGen allele CA382555094.

ClinVar aggregate classification (germline): Uncertain significance. Review status: criteria provided, multiple submitters, no conflicts (2 of 4 stars). 2 submissions from 2 submitters: Uncertain significance (2). Last evaluated 2026-01-31.

Conditions:
Hereditary cancer-predisposing syndrome. Also called: Neoplastic Syndromes, Hereditary; Hereditary Cancer Syndrome; Tumor predisposition; Hereditary neoplastic syndrome. Identifiers: Orphanet 140162, MedGen C0027672, MeSH D009386, MONDO:0015356.
Ataxia-telangiectasia syndrome (AT). Also called: LOUIS-BAR SYNDROME; Cerebello-oculocutaneous telangiectasia; Immunodeficiency with ataxia telangiectasia; Ataxia-telangiectasia, complementation group D; AT, COMPLEMENTATION GROUP C; Ataxia-telangiectasia, complementation group E. Identifiers: Orphanet 100, MedGen C0004135, MONDO:0008840, OMIM 208900.

Allele frequency attached by ClinVar (database versions not stated): TOPMed below 0.00001; gnomAD 0.00001.
gnomAD v4.1: 1 of 1,613,642 alleles (0.000062%); highest among the groups gnomAD compares: Non-Finnish European, 0.000085%; no homozygotes.

Submissions (2):

Labcorp Genetics (formerly Invitae), Labcorp
Classification: Uncertain significance for Ataxia-telangiectasia syndrome. Last evaluated: 2026-01-31. Review status: criteria provided, single submitter. Criteria: Invitae Variant Classification Sherloc (09022015). Collection method: clinical testing. Allele origin: germline.
Comment: This sequence change replaces serine, which is neutral and polar, with proline, which is neutral and non-polar, at codon 2242 of the ATM protein (p.Ser2242Pro). This variant is not present in population databases (gnomAD no frequency). This variant has not been reported in the literature in individuals affected with ATM-related conditions. ClinVar contains an entry for this variant (Variation ID: 479055). Invitae Evidence Modeling of protein sequence and biophysical properties (such as structural, functional, and spatial information, amino acid conservation, physicochemical variation, residue mobility, and thermodynamic stability) indicates that this missense variant is not expected to disrupt ATM protein function with a negative predictive value of 95%. In summary, the available evidence is currently insufficient to determine the role of this variant in disease. Therefore, it has been classified as a Variant of Uncertain Significance.

Ambry Genetics
Classification: Uncertain significance for Hereditary cancer-predisposing syndrome. Last evaluated: 2019-12-20. Review status: criteria provided, single submitter. Criteria: Ambry Variant Classification Scheme 2023. Collection method: clinical testing. Allele origin: germline.
Comment: The p.S2242P variant (also known as c.6724T>C), located in coding exon 45 of the ATM gene, results from a T to C substitution at nucleotide position 6724. The serine at codon 2242 is replaced by proline, an amino acid with similar properties. This amino acid position is not well conserved in available vertebrate species. In addition, this alteration is predicted to be tolerated by in silico analysis. Since supporting evidence is limited at this time, the clinical significance of this alteration remains unclear.